The following is an entry in ClinVar:

NM_001199138.2(NLRC4):c.436C>T (p.His146Tyr)

Gene: NLRC4 (NLR family CARD domain containing 4; minus strand). Cytogenetic location: 2p22.3.
Variant type: single nucleotide variant.
Coding change: c.436C>T on transcript NM_001199138.2 (MANE Select); coding-DNA position 436, C replaced by T.
Protein change: p.His146Tyr; replaces histidine 146 with tyrosine.
Molecular consequence: missense variant. On other transcripts: intron variant (1).
Genome position (GRCh38, 1-based): chr2:32,251,428, G>A on the plus strand (C>T on the coding strand, the complement: NLRC4 is on the minus strand). VCF-style: chr2-32251428-G-A. GRCh37 (hg19) VCF-style: chr2-32476497-G-A.
Other names: c.436C>T, p.His146Tyr (NM_001199139.2, NM_021209.5); c.262+991C>T (NM_001302504.1); short protein forms H146Y.
Identifiers: ClinVar variation 1055916 (VCV001055916.9), dbSNP rs1270650686, ClinGen allele CA346516121.

ClinVar aggregate classification (germline): Uncertain significance (1 of 4 stars; one submission).

Conditions:
Familial cold autoinflammatory syndrome 4 (FCAS4). Identifiers: Orphanet 47045, Orphanet 576349, MedGen C4015276, MONDO:0014498, OMIM 616115.
Periodic fever-infantile enterocolitis-autoinflammatory syndrome. Also called: Autoinflammation with infantile enterocolitis. Identifiers: Orphanet 436166, MedGen C4015067, MONDO:0014472, OMIM 616050.

Allele frequency attached by ClinVar (database versions not stated): gnomAD exomes 0.00001.
gnomAD v4.1: 18 of 1,614,110 alleles (0.0011%); highest among the groups gnomAD compares: Non-Finnish European, 0.0015%; no homozygotes.

Submission:

Labcorp Genetics (formerly Invitae), Labcorp
Classification: Uncertain significance for Periodic fever-infantile enterocolitis-autoinflammatory syndrome; Familial cold autoinflammatory syndrome 4. Last evaluated: 2020-02-20. Review status: criteria provided, single submitter. Criteria: Invitae Variant Classification Sherloc (09022015). Collection method: clinical testing. Allele origin: germline.
Comment: This sequence change replaces histidine with tyrosine at codon 146 of the NLRC4 protein (p.His146Tyr). The histidine residue is highly conserved and there is a moderate physicochemical difference between histidine and tyrosine. This variant is not present in population databases (ExAC no frequency). This variant has not been reported in the literature in individuals with NLRC4-related conditions. Algorithms developed to predict the effect of missense changes on protein structure and function are either unavailable or do not agree on the potential impact of this missense change (SIFT: "Deleterious"; PolyPhen-2: "Benign"; Align-GVGD: "Class C15"). In summary, the available evidence is currently insufficient to determine the role of this variant in disease. Therefore, it has been classified as a Variant of Uncertain Significance.